The following is an entry in ClinVar:

ClinVar aggregate classification (germline): Uncertain significance (1 of 4 stars; one submission).

Conditions:
Mucopolysaccharidosis type 1. Also called: Mucopolysaccharidosis Type I; IDUA deficiency; MPS I. Identifiers: Orphanet 579, MedGen C0023786, MONDO:0001586.

Allele frequency attached by ClinVar (database versions not stated): TOPMed below 0.00001.

Submission:

Labcorp Genetics (formerly Invitae), Labcorp
Classification: Uncertain significance for Mucopolysaccharidosis type 1. Last evaluated: 2021-06-24. Review status: criteria provided, single submitter. Criteria: Invitae Variant Classification Sherloc (09022015). Collection method: clinical testing. Allele origin: germline.
Comment: In summary, the available evidence is currently insufficient to determine the role of this variant in disease. Therefore, it has been classified as a Variant of Uncertain Significance. Advanced modeling of protein sequence and biophysical properties (such as structural, functional, and spatial information, amino acid conservation, physicochemical variation, residue mobility, and thermodynamic stability) performed at Invitae indicates that this missense variant is expected to disrupt IDUA protein function. This variant has not been reported in the literature in individuals with IDUA-related conditions. This variant is not present in population databases (ExAC no frequency). This sequence change replaces serine with cysteine at codon 192 of the IDUA protein (p.Ser192Cys). The serine residue is moderately conserved and there is a moderate physicochemical difference between serine and cysteine.

NM_000203.5(IDUA):c.575C>G (p.Ser192Cys)

Gene: IDUA (alpha-L-iduronidase; plus strand). Cytogenetic location: 4p16.3.
Variant type: single nucleotide variant.
Coding change: c.575C>G on transcript NM_000203.5 (MANE Select); coding-DNA position 575, C replaced by G.
Protein change: p.Ser192Cys; replaces serine 192 with cysteine.
Molecular consequence: missense variant. On other transcripts: non-coding transcript variant (1).
Genome position (GRCh38, 1-based): chr4:1,001,549, C>G. VCF-style: chr4-1001549-C-G. GRCh37 (hg19) VCF-style: chr4-995337-C-G.
Other names: c.179C>G, p.Ser60Cys (NM_001363576.1); short protein forms S192C, S60C.
Identifiers: ClinVar variation 1515718 (VCV001515718.8), dbSNP rs1189807498, ClinGen allele CA355961808.
Genomic context (GRCh38, chr4:1,001,549, plus strand): 5'-TTTCCAAGTGGAACTTCGAGACGTGGAATGAGCCAGACCACCACGACTTTGACAACGTCT[C>G]CATGACCATGCAAGGTGTGCACCGCTTCCTGGGGTCCTGCCCGGCTGAAAGGGGGCAGAG-3'
Protein context (NP_000194.2, residues 182-202): EPDHHDFDNV[Ser192Cys]MTMQGFLNYY